The following is an entry in ClinVar:

ClinVar aggregate classification (germline): Likely benign. Review status: criteria provided, multiple submitters, no conflicts (2 of 4 stars). 3 submissions from 3 submitters: Likely benign (3). Last evaluated 2025-11-18.

Conditions:
RASopathy. Also called: rasopathies; Noonan spectrum disorder. Identifiers: Orphanet 536391, MedGen C5555857, MONDO:0021060.

Allele frequency attached by ClinVar (database versions not stated): gnomAD exomes 0.00003 and 0.00005; TOPMed 0.00003; gnomAD 0.00007 and 0.00009.
gnomAD v4.1: 86 of 1,612,474 alleles (0.0053%); highest among the groups gnomAD compares: Non-Finnish European, 0.0069%; no homozygotes.

Submissions (3):

Labcorp Genetics (formerly Invitae), Labcorp
Classification: Likely benign for RASopathy. Last evaluated: 2025-11-18. Review status: criteria provided, single submitter. Criteria: Invitae Variant Classification Sherloc (09022015). Collection method: clinical testing. Allele origin: germline.

Blueprint Genetics
Classification: Likely benign. Last evaluated: 2023-11-23. Review status: criteria provided, single submitter. Criteria: ACMG Guidelines, 2015. Collection method: clinical testing. Allele origin: germline.

GeneDx
Classification: Likely benign. Last evaluated: 2016-05-26. Review status: criteria provided, single submitter. Criteria: GeneDx Variant Classification (06012015). Collection method: clinical testing. Allele origin: germline. Affected: yes.
Comment: This variant is considered likely benign or benign based on one or more of the following criteria: it is a conservative change, it occurs at a poorly conserved position in the protein, it is predicted to be benign by multiple in silico algorithms, and/or has population frequency not consistent with disease.

NM_030662.4(MAP2K2):c.450+12C>T

Gene: MAP2K2 (mitogen-activated protein kinase kinase 2; minus strand). Cytogenetic location: 19p13.3.
Variant type: single nucleotide variant.
Coding change: c.450+12C>T on transcript NM_030662.4 (MANE Select); 12 bases into the intron after coding-DNA position 450, C replaced by T.
Molecular consequence: intron variant.
Genome position (GRCh38, 1-based): chr19:4,110,497, G>A on the plus strand (C>T on the coding strand, the complement: MAP2K2 is on the minus strand). VCF-style: chr19-4110497-G-A. GRCh37 (hg19) VCF-style: chr19-4110495-G-A.
Identifiers: ClinVar variation 378104 (VCV000378104.9), dbSNP rs750513646, ClinGen allele CA16608250.